The following is an entry in ClinVar:

ClinVar aggregate classification (germline): Likely benign. Review status: criteria provided, single submitter (1 of 4 stars). 2 submissions from 2 submitters: Likely benign (1). 1 of the submissions does not count toward it. Last evaluated 2024-07-01.

Conditions:
CENPF-related disorder. Also called: CENPF-related condition.

Allele frequency attached by ClinVar (database versions not stated): gnomAD 0.00001.
gnomAD v4.1: 11 of 1,614,044 alleles (0.00068%); highest among the groups gnomAD compares: East Asian, 0.0022%; no homozygotes.

Submissions (2):

Labcorp Genetics (formerly Invitae), Labcorp
Classification: Likely benign. Last evaluated: 2024-07-01. Review status: criteria provided, single submitter. Criteria: Invitae Variant Classification Sherloc (09022015). Collection method: clinical testing. Allele origin: germline.

PreventionGenetics, part of Exact Sciences
Classification: Likely benign for CENPF-related condition. Last evaluated: 2019-11-12. Review status: no assertion criteria provided. Collection method: clinical testing. Allele origin: germline. Not counted in ClinVar's aggregate classification.
Comment: This variant is classified as likely benign based on ACMG/AMP sequence variant interpretation guidelines (Richards et al. 2015 PMID: 25741868, with internal and published modifications).

NM_016343.4(CENPF):c.687A>G (p.Ser229=)

Gene: CENPF (centromere protein F; plus strand). Cytogenetic location: 1q41.
Variant type: single nucleotide variant.
Coding change: c.687A>G on transcript NM_016343.4 (MANE Select); coding-DNA position 687, A replaced by G.
Protein change: p.Ser229=; no amino-acid change (serine 229 retained).
Molecular consequence: synonymous variant.
Genome position (GRCh38, 1-based): chr1:214,620,768, A>G. VCF-style: chr1-214620768-A-G. GRCh37 (hg19) VCF-style: chr1-214794111-A-G.
Other names: c.687A>G (NM_016343.3).
Identifiers: ClinVar variation 1594902 (VCV001594902.10), dbSNP rs755981182, ClinGen allele CA37408176.